The following is an entry in ClinVar:

NM_003907.3(EIF2B5):c.583C>T (p.Arg195Cys)

Gene: EIF2B5 (eukaryotic translation initiation factor 2B subunit epsilon; plus strand). Cytogenetic location: 3q27.1.
Variant type: single nucleotide variant.
Coding change: c.583C>T on transcript NM_003907.3 (MANE Select); coding-DNA position 583, C replaced by T.
Protein change: p.Arg195Cys; replaces arginine 195 with cysteine.
Molecular consequence: missense variant.
Genome position (GRCh38, 1-based): chr3:184,137,974, C>T. VCF-style: chr3-184137974-C-T. GRCh37 (hg19) VCF-style: chr3-183855762-C-T.
Other names: short protein forms R195C.
Identifiers: ClinVar variation 5948 (VCV000005948.10), dbSNP rs113994055, ClinGen allele CA117879.

ClinVar aggregate classification (germline): Likely pathogenic. Review status: criteria provided, multiple submitters, no conflicts (2 of 4 stars). 3 submissions from 3 submitters: Likely pathogenic (2). 1 of the submissions does not count toward it. Last evaluated 2024-03-07.

Conditions:
Leukoencephalopathy with vanishing white matter 5 (VWM5). Also called: Leukoencephalopathy with vanishing white matter 5, with or without ovarian failure; EIF2B5-Related Childhood Ataxia with Central Nervous System Hypomyelination/Vanishing White Matter. Identifiers: MedGen C5779973, MONDO:0957873, OMIM 620315.

Allele frequency attached by ClinVar (database versions not stated): gnomAD exomes below 0.00001; TOPMed below 0.00001; gnomAD 0.00001.
gnomAD v4.1: 8 of 1,614,090 alleles (0.0005%); highest among the groups gnomAD compares: East Asian, 0.0045%; no homozygotes.

Submissions (3):

Fulgent Genetics
Classification: Likely pathogenic for Leukoencephalopathy with vanishing white matter 5. Last evaluated: 2024-03-07. Review status: criteria provided, single submitter. Criteria: ACMG Guidelines, 2015. Collection method: clinical testing. Allele origin: germline.

Labcorp Genetics (formerly Invitae), Labcorp
Classification: Likely pathogenic. Last evaluated: 2022-06-17. Review status: criteria provided, single submitter. Criteria: Invitae Variant Classification Sherloc (09022015). Collection method: clinical testing. Allele origin: germline.
Comment: This variant disrupts the p.Arg195 amino acid residue in EIF2B5. Other variant(s) that disrupt this residue have been determined to be pathogenic (PMID: 12325082, 15136673, 19023445). This suggests that this residue is clinically significant, and that variants that disrupt this residue are likely to be disease-causing. In summary, the currently available evidence indicates that the variant is pathogenic, but additional data are needed to prove that conclusively. Therefore, this variant has been classified as Likely Pathogenic. Advanced modeling of protein sequence and biophysical properties (such as structural, functional, and spatial information, amino acid conservation, physicochemical variation, residue mobility, and thermodynamic stability) performed at Invitae indicates that this missense variant is expected to disrupt EIF2B5 protein function. ClinVar contains an entry for this variant (Variation ID: 5948). This sequence change replaces arginine, which is basic and polar, with cysteine, which is neutral and slightly polar, at codon 195 of the EIF2B5 protein (p.Arg195Cys). This variant is not present in population databases (gnomAD no frequency). This missense change has been observed in individual(s) with clinical features of leukoencephalopathy with vanishing white matter (PMID: 12707859).

OMIM
Classification: Pathogenic for LEUKOENCEPHALOPATHY WITH VANISHING WHITE MATTER 5. Last evaluated: 2003-06-01. Review status: no assertion criteria provided. Collection method: literature only. Allele origin: germline. Not counted in ClinVar's aggregate classification.

Literature cited by the submitters: PubMed 12325082 (cited by Labcorp Genetics (formerly Invitae), Labcorp); PubMed 15136673 (cited by Labcorp Genetics (formerly Invitae), Labcorp); PubMed 19023445 (cited by Labcorp Genetics (formerly Invitae), Labcorp); PubMed 12707859 (cited by Labcorp Genetics (formerly Invitae), Labcorp and OMIM).